The following is an entry in ClinVar:

NM_024411.5(PDYN):c.257C>T (p.Ser86Leu)

Genes: PDYN-AS1 (PDYN antisense RNA 1; plus strand), PDYN (prodynorphin; minus strand). Cytogenetic location: 20p13.
Variant type: single nucleotide variant.
Coding change: c.257C>T on transcript NM_024411.5 (MANE Select); coding-DNA position 257, C replaced by T.
Protein change: p.Ser86Leu; replaces serine 86 with leucine.
Molecular consequence: missense variant.
Genome position (GRCh38, 1-based): chr20:1,980,831, G>A on the plus strand (C>T on the coding strand, the complement: PDYN is on the minus strand). VCF-style: chr20-1980831-G-A. GRCh37 (hg19) VCF-style: chr20-1961477-G-A.
Other names: c.257C>T, p.Ser86Leu (NM_001190892.1, NM_001190898.3, NM_001190899.2 and 1 more transcripts); short protein forms S86L.
Identifiers: ClinVar variation 899231 (VCV000899231.8), dbSNP rs781363760, ClinGen allele CA408003536.
Genomic context (GRCh38, chr20:1,980,831, plus strand): 5'-AGCTCCTTCAGGAATGACCCAGAGAGCTTGGCCAGCTCACTGTAGGGCCCTTCCCCAACC[G>A]ACTTGCTCCCCAAGTCCTCCTTGTCATTGAGCCCAAGGGTGGAGGGGGTGAAAAAAGACA-3'
Protein context (NP_077722.1, residues 76-96): LNDKEDLGSK[Ser86Leu]VGEGPYSELA

ClinVar aggregate classification (germline): Uncertain significance. Review status: criteria provided, multiple submitters, no conflicts (2 of 4 stars). 2 submissions from 2 submitters: Uncertain significance (2). Last evaluated 2023-07-03.

Conditions:
Spinocerebellar ataxia type 23 (SCA23). Identifiers: Orphanet 101108, MedGen C1853250, MONDO:0012449, OMIM 610245.

Allele frequency attached by ClinVar (database versions not stated): gnomAD 0.00001; TOPMed 0.00001.

Submissions (2):

Labcorp Genetics (formerly Invitae), Labcorp
Classification: Uncertain significance. Last evaluated: 2023-07-03. Review status: criteria provided, single submitter. Criteria: Invitae Variant Classification Sherloc (09022015). Collection method: clinical testing. Allele origin: germline.
Comment: In summary, the available evidence is currently insufficient to determine the role of this variant in disease. Therefore, it has been classified as a Variant of Uncertain Significance. Advanced modeling of protein sequence and biophysical properties (such as structural, functional, and spatial information, amino acid conservation, physicochemical variation, residue mobility, and thermodynamic stability) performed at Invitae indicates that this missense variant is not expected to disrupt PDYN protein function. ClinVar contains an entry for this variant (Variation ID: 899231). This variant has not been reported in the literature in individuals affected with PDYN-related conditions. This variant is present in population databases (no rsID available, gnomAD 0.006%). This sequence change replaces serine, which is neutral and polar, with leucine, which is neutral and non-polar, at codon 86 of the PDYN protein (p.Ser86Leu).

Illumina Laboratory Services, Illumina
Classification: Uncertain significance for Spinocerebellar ataxia type 23. Last evaluated: 2018-01-12. Review status: criteria provided, single submitter. Criteria: ICSL Variant Classification Criteria 13 December 2019. Collection method: clinical testing. Allele origin: germline.